The following is an entry in ClinVar:

ClinVar aggregate classification (germline): Uncertain significance. Review status: criteria provided, multiple submitters, no conflicts (2 of 4 stars). 5 submissions from 5 submitters: Uncertain significance (5). Last evaluated 2026-03-24.

Conditions:
Hermansky-Pudlak syndrome 3 (HPS3). Identifiers: Orphanet 231512, Orphanet 79430, MedGen C3888001, MONDO:0013555, OMIM 614072.

Allele frequency attached by ClinVar (database versions not stated): gnomAD 0.00012 and 0.00013; TOPMed 0.00012; gnomAD exomes 0.00013 and 0.00017; ExAC 0.00016.
gnomAD v4.1: 262 of 1,600,514 alleles (0.016%); highest among the groups gnomAD compares: Admixed American, 0.035%; no homozygotes.

Submissions (5):

Women's Health and Genetics/Laboratory Corporation of America, LabCorp
Classification: Uncertain significance. Last evaluated: 2026-03-24. Review status: criteria provided, single submitter. Criteria: LabCorp Variant Classification Summary - May 2015. Collection method: clinical testing. Allele origin: germline.
Comment: Variant summary: HPS3 c.132C>A (p.Phe44Leu) results in a non-conservative amino acid change in the encoded protein sequence. Algorithms developed to predict the effect of missense changes on protein structure and function are either unavailable or do not agree on the potential impact of this missense change. The variant allele was found at a frequency of 0.00013 in 219766 control chromosomes. This frequency is not significantly higher than estimated for disease-causing variants in HPS3, allowing no conclusion about variant significance. To our knowledge, no occurrence of c.132C>A in individuals affected with HPS3-related conditions and no experimental evidence demonstrating its impact on protein function have been reported. ClinVar contains an entry for this variant (Variation ID: 900557). Based on the evidence outlined above, the variant was classified as uncertain significance.

GeneDx
Classification: Uncertain significance. Last evaluated: 2025-03-24. Review status: criteria provided, single submitter. Criteria: GeneDx Variant Classification Process June 2021. Collection method: clinical testing. Allele origin: germline. Affected: yes.
Comment: In silico analysis supports that this missense variant has a deleterious effect on protein structure/function; Has not been previously published as pathogenic or benign to our knowledge

Mayo Clinic Laboratories, Mayo Clinic
Classification: Uncertain significance. Last evaluated: 2024-06-05. Review status: criteria provided, single submitter. Criteria: ACMG Guidelines, 2015. Collection method: clinical testing. Allele origin: germline. Observed: 1 variant allele.
Comment: PM1_supporting, PM2_moderate

Labcorp Genetics (formerly Invitae), Labcorp
Classification: Uncertain significance. Last evaluated: 2022-08-31. Review status: criteria provided, single submitter. Criteria: Invitae Variant Classification Sherloc (09022015). Collection method: clinical testing. Allele origin: germline.
Comment: This sequence change replaces phenylalanine, which is neutral and non-polar, with leucine, which is neutral and non-polar, at codon 44 of the HPS3 protein (p.Phe44Leu). This variant is present in population databases (rs779631326, gnomAD 0.08%). This variant has not been reported in the literature in individuals affected with HPS3-related conditions. ClinVar contains an entry for this variant (Variation ID: 900557). Algorithms developed to predict the effect of missense changes on protein structure and function (SIFT, PolyPhen-2, Align-GVGD) all suggest that this variant is likely to be tolerated. In summary, the available evidence is currently insufficient to determine the role of this variant in disease. Therefore, it has been classified as a Variant of Uncertain Significance.

Illumina Laboratory Services, Illumina
Classification: Uncertain significance for Hermansky-Pudlak syndrome 3. Last evaluated: 2018-01-13. Review status: criteria provided, single submitter. Criteria: ICSL Variant Classification Criteria 13 December 2019. Collection method: clinical testing. Allele origin: germline.

NM_032383.5(HPS3):c.132C>A (p.Phe44Leu)

Gene: HPS3 (HPS3 biogenesis of lysosomal organelles complex 2 subunit 1; plus strand). Cytogenetic location: 3q24.
Variant type: single nucleotide variant.
Coding change: c.132C>A on transcript NM_032383.5 (MANE Select); coding-DNA position 132, C replaced by A.
Protein change: p.Phe44Leu; replaces phenylalanine 44 with leucine.
Molecular consequence: missense variant.
Genome position (GRCh38, 1-based): chr3:149,129,855, C>A. VCF-style: chr3-149129855-C-A. GRCh37 (hg19) VCF-style: chr3-148847642-C-A.
Other names: p.Phe44Leu; c.132C>A, p.Phe44Leu (NM_001308258.2); short protein forms F44L.
Identifiers: ClinVar variation 900557 (VCV000900557.9), dbSNP rs779631326, ClinGen allele CA2659719.